The following is an entry in ClinVar:

ClinVar aggregate classification (germline): Pathogenic. Review status: criteria provided, multiple submitters, no conflicts (2 of 4 stars). 2 submissions from 2 submitters: Pathogenic (2). Last evaluated 2025-10-29.

Conditions:
Kabuki syndrome 1 (KABUK1). Also called: KMT2D-Related Kabuki Syndrome. Identifiers: Orphanet 2322, MedGen CN030661, MONDO:0007843, OMIM 147920.

Submissions (2):

Tumer Group, Copenhagen University Hospital, Rigshospitalet
Classification: Pathogenic for Kabuki syndrome 1. Last evaluated: 2025-10-29. Review status: criteria provided, single submitter. Criteria: ACMG Guidelines, 2015. Collection method: clinical testing. Allele origin: de novo. Inheritance: Autosomal dominant inheritance. Affected: yes. Observed: 1 heterozygote.
Comment: The NM_003482.4:c.508C>T, p.(Gln170*) is a nonsense variant in KMT2D predicted to result in a premature stop codon and a truncated or absent protein product (PVS1). The variant has been confirmed to occur de novo (PS2_M). DNA methylation signature testing for Kabuki syndrome was positive and highly specific (PP4). This variant is absent from the gnomAD population database (PM2_Sup;, version 4.1.0). In summary, this variant meets the criteria to be classified as pathogenic for Kabuki syndrome based on the ACMG/AMP criteria applied: PVS1, PS2_M, PM2_Sup, PP4.

GeneDx
Classification: Pathogenic. Last evaluated: 2024-05-13. Review status: criteria provided, single submitter. Criteria: GeneDx Variant Classification Process June 2021. Collection method: clinical testing. Allele origin: germline. Affected: yes.
Comment: Observed in one individual from a cohort of patients with Kabuki syndrome (PMID: 36705342); Nonsense variant predicted to result in protein truncation or nonsense mediated decay in a gene for which loss of function is a known mechanism of disease; Not observed at significant frequency in large population cohorts (gnomAD); This variant is associated with the following publications: (PMID: 36705342)

NM_003482.4(KMT2D):c.508C>T (p.Gln170Ter)

Gene: KMT2D (lysine methyltransferase 2D; minus strand). Cytogenetic location: 12q13.12.
Variant type: single nucleotide variant.
Coding change: c.508C>T on transcript NM_003482.4 (MANE Select); coding-DNA position 508, C replaced by T.
Protein change: p.Gln170Ter; replaces glutamine 170 with a stop codon.
Molecular consequence: nonsense.
Genome position (GRCh38, 1-based): chr12:49,054,309, G>A on the plus strand (C>T on the coding strand, the complement: KMT2D is on the minus strand). VCF-style: chr12-49054309-G-A. GRCh37 (hg19) VCF-style: chr12-49448092-G-A.
Other names: short protein forms Q170*.
Identifiers: ClinVar variation 3378361 (VCV003378361.1).
Genomic context (GRCh38, chr12:49,054,309, plus strand): 5'-CTCTCAGAAGCCCACCAGCCCTGCCCTTCACCTATGCAATCCCCTGGCCCAGCCCCACCT[G>A]TGAGATCCCTGAGAAGATGGCCTTGTCCACACCACATAGTTCTGGGCCCTCCTGCCCCCA-3'